The following is an entry in ClinVar:

ClinVar aggregate classification (germline): Uncertain significance (1 of 4 stars; one submission).

Conditions:
Cowden syndrome 6 (CWS6). Identifiers: Orphanet 201, MedGen C3554519, MONDO:0014048, OMIM 615109.

Allele frequency attached by ClinVar (database versions not stated): gnomAD exomes below 0.00001.
gnomAD v4.1: 4 of 1,614,108 alleles (0.00025%); highest among the groups gnomAD compares: Non-Finnish European, 0.00034%; no homozygotes.

Submission:

Labcorp Genetics (formerly Invitae), Labcorp
Classification: Uncertain significance for Cowden syndrome 6. Last evaluated: 2023-02-09. Review status: criteria provided, single submitter. Criteria: Invitae Variant Classification Sherloc (09022015). Collection method: clinical testing. Allele origin: germline.
Comment: In summary, the available evidence is currently insufficient to determine the role of this variant in disease. Therefore, it has been classified as a Variant of Uncertain Significance. Algorithms developed to predict the effect of missense changes on protein structure and function are either unavailable or do not agree on the potential impact of this missense change (SIFT: "Deleterious"; PolyPhen-2: "Probably Damaging"; Align-GVGD: "Class C0"). ClinVar contains an entry for this variant (Variation ID: 1039404). This variant has not been reported in the literature in individuals affected with AKT1-related conditions. This variant is not present in population databases (gnomAD no frequency). This sequence change replaces arginine, which is basic and polar, with histidine, which is basic and polar, at codon 328 of the AKT1 protein (p.Arg328His).

NM_001382430.1(AKT1):c.983G>A (p.Arg328His)

Gene: AKT1 (AKT serine/threonine kinase 1; minus strand). Cytogenetic location: 14q32.33.
Variant type: single nucleotide variant.
Coding change: c.983G>A on transcript NM_001382430.1 (MANE Select); coding-DNA position 983, G replaced by A.
Protein change: p.Arg328His; replaces arginine 328 with histidine.
Molecular consequence: missense variant.
Genome position (GRCh38, 1-based): chr14:104,773,067, C>T on the plus strand (G>A on the coding strand, the complement: AKT1 is on the minus strand). VCF-style: chr14-104773067-C-T. GRCh37 (hg19) VCF-style: chr14-105239404-C-T.
Other names: c.983G>A, p.Arg328His (NM_001014431.2, NM_001014432.2, NM_001382431.1 and 3 more transcripts); short protein forms R328H.
Identifiers: ClinVar variation 1039404 (VCV001039404.8), dbSNP rs1892486033, ClinGen allele CA391217344.